The following is an entry in ClinVar:

NM_020975.6(RET):c.1102C>T (p.Arg368Cys)

Gene: RET (ret proto-oncogene; plus strand). Cytogenetic location: 10q11.21.
Variant type: single nucleotide variant.
Coding change: c.1102C>T on transcript NM_020975.6 (MANE Select); coding-DNA position 1102, C replaced by T.
Protein change: p.Arg368Cys; replaces arginine 368 with cysteine.
Molecular consequence: missense variant.
Genome position (GRCh38, 1-based): chr10:43,109,069, C>T. VCF-style: chr10-43109069-C-T. GRCh37 (hg19) VCF-style: chr10-43604517-C-T.
Other names: c.1102C>T, p.Arg368Cys (NM_000323.2, NM_001406743.1, NM_001406744.1 and 6 more transcripts); c.340C>T, p.Arg114Cys (NM_001355216.2); c.973C>T, p.Arg325Cys (NM_001406761.1, NM_001406762.1, NM_001406764.1 and 1 more transcripts); c.376C>T, p.Arg126Cys (NM_001406778.1, NM_001406775.1, NM_001406776.1 and 1 more transcripts); c.112C>T, p.Arg38Cys (NM_001406784.1); c.814C>T, p.Arg272Cys (NM_001406766.1, NM_001406767.1, NM_001406770.1); c.664C>T, p.Arg222Cys (NM_001406771.1, NM_001406773.1); short protein forms R368C, R114C, R272C, R126C, R325C, R38C, R222C.
Identifiers: ClinVar variation 486314 (VCV000486314.22), dbSNP rs754116867, ClinGen allele CA031579.

ClinVar aggregate classification (germline): Conflicting classifications of pathogenicity. Review status: criteria provided, conflicting classifications (1 of 4 stars). 9 submissions from 9 submitters: Uncertain significance (8); Likely benign (1). Last evaluated 2026-03-31.

Conditions:
Familial medullary thyroid carcinoma (MTC). Also called: Familial Medullary Thyroid Carcinoma (FMTC); Thyroid cancer, familial medullary; MTC, familial. Identifiers: Orphanet 653, Orphanet 99361, MedGen C1833921, MONDO:0007958, OMIM 155240.
Pheochromocytoma. Also called: MAX-Related Hereditary Paraganglioma-Pheochromocytoma Syndrome. Identifiers: Orphanet 29072, MedGen C0031511, MONDO:0008233, OMIM 171300, HP:0002666.
Multiple endocrine neoplasia type 2A. Also called: Multiple Endocrine Neoplasia Type 2A (MEN2A); MULTIPLE ENDOCRINE NEOPLASIA, TYPE IIA; PTC SYNDROME; SIPPLE SYNDROME; MEN 2A; MEN-2A syndrome. Identifiers: Orphanet 247698, Orphanet 653, MedGen C0025268, MeSH D018813, MONDO:0008234, OMIM 171400.
Hirschsprung disease, susceptibility to, 1 (HSCR1). Also called: RET-Related Hirschsprung Disease. Identifiers: Orphanet 388, MedGen C3888239, MONDO:0007723, OMIM 142623.
Multiple endocrine neoplasia type 2B. Also called: WAGENMANN-FROBOESE SYNDROME; MULTIPLE ENDOCRINE NEOPLASIA, TYPE III; MUCOSAL NEUROMA SYNDROME; Multiple Endocrine Neoplasia Type 2B (MEN2B); Multiple endocrine neoplasia, type 3; MULTIPLE ENDOCRINE NEOPLASIA, TYPE IIB. Identifiers: Orphanet 247709, Orphanet 653, MedGen C0025269, MeSH D018814, MONDO:0008082, OMIM 162300.
RET-related disorder. Also called: RET-related disorders; RET-related condition; RET-related disease.
Hereditary cancer-predisposing syndrome. Also called: Hereditary Cancer Syndrome; Hereditary neoplastic syndrome; Tumor predisposition; Neoplastic Syndromes, Hereditary. Identifiers: Orphanet 140162, MedGen C0027672, MeSH D009386, MONDO:0015356.
Multiple endocrine neoplasia, type 2 (MEN2). Identifiers: Orphanet 653, MedGen C4048306, MONDO:0019003. Disease mechanism: gain of function.

Allele frequency attached by ClinVar (database versions not stated): gnomAD 0.00001; ExAC 0.00002; gnomAD exomes 0.00002; TOPMed 0.00002.

Submissions (9):

PreventionGenetics, part of Exact Sciences
Classification: Uncertain significance for RET-related condition. Last evaluated: 2026-03-31. Review status: criteria provided, single submitter. Criteria: ACMG Guidelines, 2015. Collection method: clinical testing. Allele origin: germline.
Comment: The RET c.1102C>T variant is predicted to result in the amino acid substitution p.Arg368Cys. This variant was reported in an individual with cancer predisposition syndrome (Table S5, Tsaousis et al. 2019. PubMed ID: 31159747). This variant is reported in 0.0098% of alleles in individuals of South Asian descent in gnomAD. At this time, the clinical significance of this variant is uncertain due to the absence of conclusive functional and genetic evidence.

Labcorp Genetics (formerly Invitae), Labcorp
Classification: Uncertain significance for Multiple endocrine neoplasia, type 2. Last evaluated: 2026-01-31. Review status: criteria provided, single submitter. Criteria: Invitae Variant Classification Sherloc (09022015). Collection method: clinical testing. Allele origin: germline.
Comment: This sequence change replaces arginine, which is basic and polar, with cysteine, which is neutral and slightly polar, at codon 368 of the RET protein (p.Arg368Cys). This variant is present in population databases (rs754116867, gnomAD 0.01%). This missense change has been observed in individual(s) with personal and/or family history of cancer (PMID: 31159747). ClinVar contains an entry for this variant (Variation ID: 486314). An algorithm developed to predict the effect of missense changes on protein structure and function (PolyPhen-2) suggests that this variant is likely to be disruptive. In summary, the available evidence is currently insufficient to determine the role of this variant in disease. Therefore, it has been classified as a Variant of Uncertain Significance.

Fulgent Genetics
Classification: Uncertain significance for Hirschsprung disease, susceptibility to, 1; Familial medullary thyroid carcinoma; Multiple endocrine neoplasia type 2B; Pheochromocytoma; Multiple endocrine neoplasia type 2A. Last evaluated: 2024-04-05. Review status: criteria provided, single submitter. Criteria: ACMG Guidelines, 2015. Collection method: clinical testing. Allele origin: germline.

GeneDx
Classification: Uncertain significance. Last evaluated: 2024-03-18. Review status: criteria provided, single submitter. Criteria: GeneDx Variant Classification Process June 2021. Collection method: clinical testing. Allele origin: germline.
Comment: Not observed at significant frequency in large population cohorts (gnomAD); In silico analysis supports that this missense variant does not alter protein structure/function; Has not been previously published as pathogenic or benign to our knowledge; This variant is associated with the following publications: (PMID: 14633923, 31159747)

Baylor Genetics
Classification: Uncertain significance for Hirschsprung disease, susceptibility to, 1. Last evaluated: 2024-02-22. Review status: criteria provided, single submitter. Criteria: ACMG Guidelines, 2015. Collection method: clinical testing. Allele origin: unknown.

All of Us Research Program, National Institutes of Health
Classification: Uncertain significance for Multiple endocrine neoplasia, type 2. Last evaluated: 2024-01-11. Review status: criteria provided, single submitter. Criteria: ACMG Guidelines, 2015. Collection method: clinical testing. Allele origin: germline. Inheritance: Autosomal dominant inheritance. Observed: 3 variant alleles, 3 heterozygotes.
Comment: This missense variant replaces arginine with cysteine at codon 368 of the RET protein. Computational prediction is inconclusive regarding the impact of this variant on protein structure and function (internally defined REVEL score threshold 0.5 < inconclusive < 0.7, PMID: 27666373). To our knowledge, functional studies have not been reported for this variant. This variant has been reported in an individual with a personal or family history of breast and/or ovarian cancer (PMID: 31159747). This variant has been identified in 5/250780 chromosomes in the general population by the Genome Aggregation Database (gnomAD). The available evidence is insufficient to determine the role of this variant in disease conclusively. Therefore, this variant is classified as a Variant of Uncertain Significance.

This study involves interpretation of variants in research participants for the purpose of population health screening. Participant phenotype was not available at the time of variant classification. Additional details can be found in publication PMID: 35346344, PMCID: PMC8962531

Ambry Genetics
Classification: Likely benign for Hereditary cancer-predisposing syndrome. Last evaluated: 2022-02-28. Review status: criteria provided, single submitter. Criteria: Ambry Variant Classification Scheme 2023. Collection method: clinical testing. Allele origin: germline.

GeneKor MSA
Classification: Uncertain significance for Hereditary cancer-predisposing syndrome. Last evaluated: 2018-08-01. Review status: criteria provided, single submitter. Criteria: ACMG Guidelines, 2015. Collection method: clinical testing. Allele origin: germline. Affected: no.

Breakthrough Genomics
Classification: Uncertain significance. Review status: criteria provided, single submitter. Criteria: ACMG Guidelines, 2015. Collection method: not provided. Allele origin: germline. Inheritance: Autosomal dominant inheritance. Affected: yes.

Literature cited by the submitters: PubMed 31159747 (cited by Labcorp Genetics (formerly Invitae), Labcorp and All of Us Research Program, National Institutes of Health).